The following is an entry in ClinVar:

NM_139319.3(SLC17A8):c.830C>T (p.Pro277Leu)

Gene: SLC17A8 (solute carrier family 17 member 8; plus strand). Cytogenetic location: 12q23.1.
Variant type: single nucleotide variant.
Coding change: c.830C>T on transcript NM_139319.3 (MANE Select); coding-DNA position 830, C replaced by T.
Protein change: p.Pro277Leu; replaces proline 277 with leucine.
Molecular consequence: missense variant.
Genome position (GRCh38, 1-based): chr12:100,402,406, C>T. VCF-style: chr12-100402406-C-T. GRCh37 (hg19) VCF-style: chr12-100796184-C-T.
Other names: c.830C>T, p.Pro277Leu (NM_001145288.2); c.830C>T (NM_139319.2); short protein forms P277L.
Identifiers: ClinVar variation 2980492 (VCV002980492.4), dbSNP rs1208147686, ClinGen allele CA386218830.

ClinVar aggregate classification (germline): Uncertain significance. Review status: criteria provided, multiple submitters, no conflicts (2 of 4 stars). 2 submissions from 2 submitters: Uncertain significance (2). Last evaluated 2025-03-17.

Conditions:
Inborn genetic diseases. Identifiers: MedGen C0950123, MeSH D030342.

Allele frequency attached by ClinVar (database versions not stated): TOPMed below 0.00001; gnomAD 0.00001; gnomAD exomes 0.00002.

Submissions (2):

Labcorp Genetics (formerly Invitae), Labcorp
Classification: Uncertain significance. Last evaluated: 2025-03-17. Review status: criteria provided, single submitter. Criteria: Invitae Variant Classification Sherloc (09022015). Collection method: clinical testing. Allele origin: germline.
Comment: This sequence change replaces proline, which is neutral and non-polar, with leucine, which is neutral and non-polar, at codon 277 of the SLC17A8 protein (p.Pro277Leu). This variant is present in population databases (no rsID available, gnomAD 0.01%). This variant has not been reported in the literature in individuals affected with SLC17A8-related conditions. ClinVar contains an entry for this variant (Variation ID: 2980492). Invitae Evidence Modeling of protein sequence and biophysical properties (such as structural, functional, and spatial information, amino acid conservation, physicochemical variation, residue mobility, and thermodynamic stability) has been performed for this missense variant. However, the output from this modeling did not meet the statistical confidence thresholds required to predict the impact of this variant on SLC17A8 protein function. In summary, the available evidence is currently insufficient to determine the role of this variant in disease. Therefore, it has been classified as a Variant of Uncertain Significance.

Ambry Genetics
Classification: Uncertain significance for Inborn genetic diseases. Last evaluated: 2024-10-01. Review status: criteria provided, single submitter. Criteria: Ambry Variant Classification Scheme 2023. Collection method: clinical testing. Allele origin: germline.